The following is an entry in ClinVar:

NM_001166108.2(PALLD):c.752T>A (p.Val251Glu)

Gene: PALLD (palladin, cytoskeletal associated protein; plus strand). Cytogenetic location: 4q32.3.
Variant type: single nucleotide variant.
Coding change: c.752T>A on transcript NM_001166108.2 (MANE Select); coding-DNA position 752, T replaced by A.
Protein change: p.Val251Glu; replaces valine 251 with glutamic acid.
Molecular consequence: missense variant.
Genome position (GRCh38, 1-based): chr4:168,512,256, T>A. VCF-style: chr4-168512256-T-A. GRCh37 (hg19) VCF-style: chr4-169433407-T-A.
Other names: c.752T>A, p.Val251Glu (NM_016081.4); short protein forms V251E.
Identifiers: ClinVar variation 2563394 (VCV002563394.2), dbSNP rs1580055573, ClinGen allele CA358728217.

ClinVar aggregate classification (germline): Uncertain significance (1 of 4 stars; one submission).

Allele frequency attached by ClinVar (database versions not stated): gnomAD exomes below 0.00001.
gnomAD v4.1: 1 of 1,614,094 alleles (0.000062%); highest among the groups gnomAD compares: South Asian, 0.0011%; no homozygotes.

Submission:

Ambry Genetics
Classification: Uncertain significance. Last evaluated: 2023-04-07. Review status: criteria provided, single submitter. Criteria: Ambry Variant Classification Scheme 2023. Collection method: clinical testing. Allele origin: germline.
Comment: The p.V251E variant (also known as c.752T>A), located in coding exon 1 of the PALLD gene, results from a T to A substitution at nucleotide position 752. The valine at codon 251 is replaced by glutamic acid, an amino acid with dissimilar properties. This amino acid position is conserved. In addition, this alteration is predicted to be tolerated by in silico analysis. Since supporting evidence is limited at this time, the clinical significance of this alteration remains unclear.